The following is an entry in ClinVar:

NM_000059.4(BRCA2):c.2641G>A (p.Glu881Lys)

Gene: BRCA2 (BRCA2 DNA repair associated; plus strand). Cytogenetic location: 13q13.1.
Variant type: single nucleotide variant.
Coding change: c.2641G>A on transcript NM_000059.4 (MANE Select); coding-DNA position 2641, G replaced by A.
Protein change: p.Glu881Lys; replaces glutamic acid 881 with lysine.
Molecular consequence: missense variant. On other transcripts: non-coding transcript variant (1), intron variant (2).
Genome position (GRCh38, 1-based): chr13:32,336,996, G>A. VCF-style: chr13-32336996-G-A. GRCh37 (hg19) VCF-style: chr13-32911133-G-A.
Other names: c.2641G>A, p.Glu881Lys (NM_001406719.1, NM_001406720.1, NM_001432077.1); c.1909+3609G>A (NM_001406721.1); c.424+5966G>A (NM_001406722.1); short protein forms E881K.
Identifiers: ClinVar variation 4856432 (VCV004856432.1).

ClinVar aggregate classification (germline): Likely benign (1 of 4 stars; one submission).

Conditions:
Breast-ovarian cancer, familial, susceptibility to, 2 (BROVCA2). Also called: BRCA2 Hereditary Breast and Ovarian Cancer. Identifiers: Orphanet 145, MedGen C2675520, MONDO:0012933, OMIM 612555. Disease mechanism: loss of function.

gnomAD v4.1: 1 of 1,587,332 alleles (0.000063%); highest among the groups gnomAD compares: South Asian, 0.0012%; no homozygotes.

Submission:

Cancer Bioinformatics and Tumour Evolution Laboratory, Monash University
Classification: Likely benign for Breast-ovarian cancer, familial, susceptibility to, 2. Last evaluated: 2026-05-01. Review status: criteria provided, single submitter. Criteria: ClinGen BRCA1 and BRCA2 Guidelines, 2024. Collection method: curation. Allele origin: germline. Inheritance: Autosomal dominant inheritance.
Comment: Missense variant outside of a functional domain with no splice impact. BRCA1 and BRCA2 VCEP guidelines recommend application of BP1_Strong (PMID: 39142283)